The following is an entry in ClinVar:

NM_003631.5(PARG):c.2900C>G (p.Ala967Gly)

Gene: PARG (poly(ADP-ribose) glycohydrolase; minus strand). Cytogenetic location: 10q11.23.
Variant type: single nucleotide variant.
Coding change: c.2900C>G on transcript NM_003631.5 (MANE Select); coding-DNA position 2900, C replaced by G.
Protein change: p.Ala967Gly; replaces alanine 967 with glycine.
Molecular consequence: missense variant. On other transcripts: non-coding transcript variant (7).
Genome position (GRCh38, 1-based): chr10:49,819,371, G>C on the plus strand (C>G on the coding strand, the complement: PARG is on the minus strand). VCF-style: chr10-49819371-G-C. GRCh37 (hg19) VCF-style: chr10-51027417-G-C.
Other names: c.2654C>G, p.Ala885Gly (NM_001303486.3, NM_001324381.3); c.2576C>G, p.Ala859Gly (NM_001303487.3); c.1658C>G, p.Ala553Gly (NM_001303489.3); short protein forms A859G, A553G, A967G, A885G.
Identifiers: ClinVar variation 4130991 (VCV004130991.1).

ClinVar aggregate classification (germline): Uncertain significance (1 of 4 stars; one submission).

gnomAD v4.1: 4 of 1,551,564 alleles (0.00026%); highest among the groups gnomAD compares: Middle Eastern, 0.017%; no homozygotes.

Submission:

Ambry Genetics
Classification: Uncertain significance. Last evaluated: 2025-08-08. Review status: criteria provided, single submitter. Criteria: Ambry Variant Classification Scheme 2023. Collection method: clinical testing. Allele origin: germline.
Comment: The c.2900C>G (p.A967G) alteration is located in exon (coding exon ) of the PARG gene. This alteration results from a C to G substitution at nucleotide position 2900, causing the alanine (A) at amino acid position 967 to be replaced by a glycine (G). Based on insufficient or conflicting evidence, the clinical significance of this alteration remains unclear.